The following is an entry in ClinVar:

ClinVar aggregate classification (germline): Conflicting classifications of pathogenicity. Review status: criteria provided, conflicting classifications (1 of 4 stars). 4 submissions from 4 submitters: Uncertain significance (2); Likely benign (1). 1 of the submissions does not count toward it. Last evaluated 2024-07-10.

Conditions:
EVC2-related disorder. Also called: EVC2-related condition.
Inborn genetic diseases. Identifiers: MedGen C0950123, MeSH D030342.
Curry-Hall syndrome (WAD). Also called: WEYERS ACRODENTAL DYSOSTOSIS. Identifiers: Orphanet 952, MedGen C0457013, MONDO:0008673, OMIM 193530.
Ellis-van Creveld syndrome (EVC). Also called: EVC-Related Ellis-van Creveld Syndrome; EVC2-Related Ellis-van Creveld Syndrome; Chondroectodermal dysplasia; MESOECTODERMAL DYSPLASIA. Identifiers: Orphanet 289, MedGen C0013903, MONDO:0009162, OMIM 225500.

Allele frequency attached by ClinVar (database versions not stated): TOPMed 0.00010.
gnomAD v4.1: 189 of 1,561,808 alleles (0.012%); highest among the groups gnomAD compares: Non-Finnish European, 0.014%; 1 homozygote.

Submissions (4):

Labcorp Genetics (formerly Invitae), Labcorp
Classification: Uncertain significance for Curry-Hall syndrome; Ellis-van Creveld syndrome. Last evaluated: 2024-07-10. Review status: criteria provided, single submitter. Criteria: Invitae Variant Classification Sherloc (09022015). Collection method: clinical testing. Allele origin: germline.
Comment: This sequence change replaces valine, which is neutral and non-polar, with leucine, which is neutral and non-polar, at codon 1182 of the EVC2 protein (p.Val1182Leu). This variant is present in population databases (rs144511301, gnomAD 0.02%). This variant has not been reported in the literature in individuals affected with EVC2-related conditions. ClinVar contains an entry for this variant (Variation ID: 432680). An algorithm developed to predict the effect of missense changes on protein structure and function outputs the following: PolyPhen-2: "Benign". The leucine amino acid residue is found in multiple mammalian species, which suggests that this missense change does not adversely affect protein function. In summary, the available evidence is currently insufficient to determine the role of this variant in disease. Therefore, it has been classified as a Variant of Uncertain Significance.

Ambry Genetics
Classification: Likely benign for Inborn genetic diseases. Last evaluated: 2024-03-20. Review status: criteria provided, single submitter. Criteria: Ambry Variant Classification Scheme 2023. Collection method: clinical testing. Allele origin: germline.

GeneDx
Classification: Uncertain significance. Last evaluated: 2017-06-20. Review status: criteria provided, single submitter. Criteria: GeneDx Variant Classification (06012015). Collection method: clinical testing. Allele origin: germline. Affected: yes.
Comment: The V1182L variant in the EVC2 gene has not been reported previously as a pathogenic variant, nor as a benign variant, to our knowledge. This variant is observed in 1/10936 (0.01%) alleles from individuals of non-Finnish European background in the ExAC dataset (Lek et al., 2016). The V1182L variant is a conservative amino acid substitution, which is not likely to impact secondary protein structure as these residues share similar properties. This substitution occurs at a position that is not conserved, and in silico analysis predicts this variant likely does not alter the protein structure/function. We interpret V1182L as a variant of uncertain significance.

PreventionGenetics, part of Exact Sciences
Classification: Uncertain significance for EVC2-related condition. Last evaluated: 2024-06-14. Review status: no assertion criteria provided. Collection method: clinical testing. Allele origin: germline. Not counted in ClinVar's aggregate classification.
Comment: The EVC2 c.3544G>T variant is predicted to result in the amino acid substitution p.Val1182Leu. To our knowledge, this variant has not been reported in the literature. This variant is reported in 0.015% of alleles in individuals of European (Non-Finnish) descent in gnomAD. At this time, the clinical significance of this variant is uncertain due to the absence of conclusive functional and genetic evidence.

NM_147127.5(EVC2):c.3544G>T (p.Val1182Leu)

Gene: EVC2 (EvC ciliary complex subunit 2; minus strand). Cytogenetic location: 4p16.2.
Variant type: single nucleotide variant.
Coding change: c.3544G>T on transcript NM_147127.5 (MANE Select); coding-DNA position 3544, G replaced by T.
Protein change: p.Val1182Leu; replaces valine 1182 with leucine.
Molecular consequence: missense variant.
Genome position (GRCh38, 1-based): chr4:5,568,457, C>A on the plus strand (G>T on the coding strand, the complement: EVC2 is on the minus strand). VCF-style: chr4-5568457-C-A. GRCh37 (hg19) VCF-style: chr4-5570184-C-A.
Other names: c.3304G>T, p.Val1102Leu (NM_001166136.2); short protein forms V1182L, V1102L.
Identifiers: ClinVar variation 432680 (VCV000432680.6), dbSNP rs144511301, ClinGen allele CA2834284.
Genomic context (GRCh38, chr4:5,568,457, plus strand): 5'-TGTGGACAGGGACGTGCCCCGGGAGGCAGCCCCTCCACGGCACTCACCTCCGCCTGCCCA[C>A]GTCGGCCTGCTCCGCTCCGCCATCGCTCTCAGCTGCGTGGTCCACATGTCTCTCGGTGGC-3'
Protein context (NP_667338.3, residues 1172-1192): ESDGGAEQAD[Val1182Leu]GRRRKHQSWW